The following is an entry in ClinVar:

NM_024596.5(MCPH1):c.2284A>T (p.Met762Leu)

Genes: MCPH1 (microcephalin 1; plus strand), MCPH1-AS1 (MCPH1 antisense RNA 1; minus strand). Cytogenetic location: 8p23.1.
Variant type: single nucleotide variant.
Coding change: c.2284A>T on transcript NM_024596.5 (MANE Select); coding-DNA position 2284, A replaced by T.
Protein change: p.Met762Leu; replaces methionine 762 with leucine.
Molecular consequence: missense variant. On other transcripts: non-coding transcript variant (1).
Genome position (GRCh38, 1-based): chr8:6,621,523, A>T. VCF-style: chr8-6621523-A-T. GRCh37 (hg19) VCF-style: chr8-6479044-A-T.
Other names: c.2284A>T, p.Met762Leu (NM_001322042.2, NM_001363979.1, NM_001410917.1); c.2005A>T, p.Met669Leu (NM_001363980.2); short protein forms M669L, M762L.
Identifiers: ClinVar variation 4536380 (VCV004536380.1).

ClinVar aggregate classification (germline): Uncertain significance (1 of 4 stars; one submission).

Submission:

GeneDx
Classification: Uncertain significance. Last evaluated: 2025-06-04. Review status: criteria provided, single submitter. Criteria: GeneDx Variant Classification Process June 2021. Collection method: clinical testing. Allele origin: germline. Affected: yes.
Comment: Not observed at significant frequency in large population cohorts (gnomAD); In silico analysis suggests that this missense variant does not alter protein structure/function; Has not been previously published as pathogenic or benign to our knowledge